The following is an entry in ClinVar:

NM_173602.3(DIP2B):c.4259C>T (p.Thr1420Ile)

Gene: DIP2B (disco interacting protein 2 homolog B; plus strand). Cytogenetic location: 12q13.12.
Variant type: single nucleotide variant.
Coding change: c.4259C>T on transcript NM_173602.3 (MANE Select); coding-DNA position 4259, C replaced by T.
Protein change: p.Thr1420Ile; replaces threonine 1420 with isoleucine.
Molecular consequence: missense variant.
Genome position (GRCh38, 1-based): chr12:50,739,491, C>T. VCF-style: chr12-50739491-C-T. GRCh37 (hg19) VCF-style: chr12-51133274-C-T.
Other names: short protein forms T1420I.
Identifiers: ClinVar variation 3502047 (VCV003502047.3).

ClinVar aggregate classification (germline): Uncertain significance. Review status: criteria provided, multiple submitters, no conflicts (2 of 4 stars). 2 submissions from 2 submitters: Uncertain significance (2). Last evaluated 2025-04-03.

gnomAD v4.1: 5 of 1,614,078 alleles (0.00031%); highest among the groups gnomAD compares: Non-Finnish European, 0.00042%; no homozygotes.

Submissions (2):

Women's Health and Genetics/Laboratory Corporation of America, LabCorp
Classification: Uncertain significance. Last evaluated: 2025-04-03. Review status: criteria provided, single submitter. Criteria: LabCorp Variant Classification Summary - May 2015. Collection method: clinical testing. Allele origin: germline.
Comment: Variant summary: DIP2B c.4259C>T (p.Thr1420Ile) results in a non-conservative amino acid change located in the Dip2-like domain (IPR037337) of the encoded protein sequence. Four of five in-silico tools predict a damaging effect of the variant on protein function. The variant allele was found at a frequency of 1.2e-05 in 251312 control chromosomes. The available data on variant occurrences in the general population are insufficient to allow any conclusion about variant significance. To our knowledge, no occurrence of c.4259C>T in individuals affected with Intellectual Disability, FRA12A Type and no experimental evidence demonstrating its impact on protein function have been reported. ClinVar contains an entry for this variant (Variation ID: 3502047). Based on the evidence outlined above, the variant was classified as uncertain significance.

Ambry Genetics
Classification: Uncertain significance. Last evaluated: 2024-09-10. Review status: criteria provided, single submitter. Criteria: Ambry Variant Classification Scheme 2023. Collection method: clinical testing. Allele origin: germline.